The following is an entry in ClinVar:

NM_014679.5(CEP57):c.1297_1305del (p.Gln433_Lys435del)

Gene: CEP57 (centrosomal protein 57; plus strand). Cytogenetic location: 11q21.
Variant type: Deletion.
Coding change: c.1297_1305del on transcript NM_014679.5 (MANE Select); coding-DNA positions 1297 to 1305, 9 bases deleted (CAGAAGAAG; older notation c.1297_1305delCAGAAGAAG).
Protein change: p.Gln433_Lys435del.
Molecular consequence: inframe deletion.
Genome position (GRCh38, 1-based): chr11:95,831,050-95,831,058, CAGAAGAAG deleted; deleting any 9 consecutive bases within chr11:95,831,045-95,831,058 gives the same sequence; the c. name uses the placement nearest the transcript's 3' end. VCF-style (leftmost placement, unchanged base first): chr11-95831044-GAGAAGCAGA-G. GRCh37 (hg19) VCF-style: chr11-95564208-GAGAAGCAGA-G.
Other names: c.1270_1278del, p.Gln424_Lys426del (NM_001243776.2); c.1219_1227del, p.Gln407_Lys409del (NM_001243777.2); c.1216_1224del, p.Gln406_Lys408del (NM_001363604.2).
Identifiers: ClinVar variation 472256 (VCV000472256.8), dbSNP rs761197192, ClinGen allele CA6239772.

ClinVar aggregate classification (germline): Uncertain significance (1 of 4 stars; one submission).

Conditions:
Mosaic variegated aneuploidy syndrome 2 (MVA2). Identifiers: Orphanet 1052, MedGen C3279843, MONDO:0013582, OMIM 614114.

Submission:

Labcorp Genetics (formerly Invitae), Labcorp
Classification: Uncertain significance for Mosaic variegated aneuploidy syndrome 2. Last evaluated: 2024-11-13. Review status: criteria provided, single submitter. Criteria: Invitae Variant Classification Sherloc (09022015). Collection method: clinical testing. Allele origin: germline.
Comment: This variant, c.1297_1305del, results in the deletion of 3 amino acid(s) of the CEP57 protein (p.Gln433_Lys435del), but otherwise preserves the integrity of the reading frame. This variant is present in population databases (rs761197192, gnomAD 0.02%). This variant has not been reported in the literature in individuals affected with CEP57-related conditions. ClinVar contains an entry for this variant (Variation ID: 472256). Experimental studies and prediction algorithms are not available or were not evaluated, and the functional significance of this variant is currently unknown. In summary, the available evidence is currently insufficient to determine the role of this variant in disease. Therefore, it has been classified as a Variant of Uncertain Significance.